The following is an entry in ClinVar:

NM_022168.4(IFIH1):c.1807C>T (p.His603Tyr)

Gene: IFIH1 (interferon induced with helicase C domain 1; minus strand). Cytogenetic location: 2q24.2.
Variant type: single nucleotide variant.
Coding change: c.1807C>T on transcript NM_022168.4 (MANE Select); coding-DNA position 1807, C replaced by T.
Protein change: p.His603Tyr; replaces histidine 603 with tyrosine.
Molecular consequence: missense variant.
Genome position (GRCh38, 1-based): chr2:162,277,652, G>A on the plus strand (C>T on the coding strand, the complement: IFIH1 is on the minus strand). VCF-style: chr2-162277652-G-A. GRCh37 (hg19) VCF-style: chr2-163134162-G-A.
Other names: short protein forms H603Y.
Identifiers: ClinVar variation 4789314 (VCV004789314.1).

ClinVar aggregate classification (germline): Uncertain significance (1 of 4 stars; one submission).

Conditions:
Singleton-Merten syndrome 1 (SGMRT1). Also called: Widened medullary cavities of bone, aortic calcification, abnormal dentition, and muscular weakness; Syndrome of widened medullary cavities of the metacarpals and phalanges, aortic calcification and abnormal dentition. Identifiers: Orphanet 85191, MedGen C4225427, MONDO:0024535, OMIM 182250.
Aicardi-Goutieres syndrome 7 (AGS7). Identifiers: Orphanet 51, MedGen C3888244, MONDO:0014367, OMIM 615846.

gnomAD v4.1: 1 of 1,611,910 alleles (0.000062%); highest among the groups gnomAD compares: Non-Finnish European, 0.000085%; no homozygotes.

Submission:

Labcorp Genetics (formerly Invitae), Labcorp
Classification: Uncertain significance for Aicardi-Goutieres syndrome 7; Singleton-Merten syndrome 1. Last evaluated: 2026-01-18. Review status: criteria provided, single submitter. Criteria: Invitae Variant Classification Sherloc (09022015). Collection method: clinical testing. Allele origin: germline.
Comment: This sequence change replaces histidine, which is basic and polar, with tyrosine, which is neutral and polar, at codon 603 of the IFIH1 protein (p.His603Tyr). This variant is not present in population databases (gnomAD no frequency). This variant has not been reported in the literature in individuals affected with IFIH1-related conditions. Invitae Evidence Modeling of protein sequence and biophysical properties (such as structural, functional, and spatial information, amino acid conservation, physicochemical variation, residue mobility, and thermodynamic stability) has been performed for this missense variant. However, the output from this modeling did not meet the statistical confidence thresholds required to predict the impact of this variant on IFIH1 protein function. In summary, the available evidence is currently insufficient to determine the role of this variant in disease. Therefore, it has been classified as a Variant of Uncertain Significance.